The following is an entry in ClinVar:

ClinVar aggregate classification (germline): Likely benign. Review status: criteria provided, multiple submitters, no conflicts (2 of 4 stars). 4 submissions from 4 submitters: Likely benign (4). Last evaluated 2026-01-26.

Conditions:
Aortic aneurysm, familial thoracic 7 (AAT7). Also called: AORTIC DISSECTION, FAMILIAL, WITH OR WITHOUT AORTIC ANEURYSM. Identifiers: MedGen C3151077, MONDO:0013418, OMIM 613780.
Familial thoracic aortic aneurysm and aortic dissection (TAAD). Also called: Thoracic aortic aneurysms and dissections. Identifiers: Orphanet 91387, MedGen C4707243, MONDO:0019625.

Allele frequency attached by ClinVar (database versions not stated): gnomAD 0.00003 and 0.00012; TOPMed 0.00008; gnomAD exomes 0.00025 and 0.00063; ExAC 0.00076; 1000 Genomes Project 30x 0.00109; 1000 Genomes Project 0.00120.
gnomAD v4.1: 380 of 1,614,142 alleles (0.024%); highest among the groups gnomAD compares: South Asian, 0.31%; 8 homozygotes.

Submissions (4):

Labcorp Genetics (formerly Invitae), Labcorp
Classification: Likely benign for Aortic aneurysm, familial thoracic 7. Last evaluated: 2026-01-26. Review status: criteria provided, single submitter. Criteria: Invitae Variant Classification Sherloc (09022015). Collection method: clinical testing. Allele origin: germline.

Ambry Genetics
Classification: Likely benign for Familial thoracic aortic aneurysm and aortic dissection. Last evaluated: 2024-07-19. Review status: criteria provided, single submitter. Criteria: Ambry Variant Classification Scheme 2023. Collection method: clinical testing. Allele origin: germline.

Women's Health and Genetics/Laboratory Corporation of America, LabCorp
Classification: Likely benign. Last evaluated: 2023-08-10. Review status: criteria provided, single submitter. Criteria: LabCorp Variant Classification Summary - May 2015. Collection method: clinical testing. Allele origin: germline.

GeneDx
Classification: Likely benign. Last evaluated: 2021-04-23. Review status: criteria provided, single submitter. Criteria: GeneDx Variant Classification Process June 2021. Collection method: clinical testing. Allele origin: germline. Affected: yes.
Comment: This variant is associated with the following publications: (PMID: 25944730, 26133393)

Literature cited by the submitters: PubMed 25944730 (cited by Ambry Genetics); PubMed 26133393 (cited by Ambry Genetics).

NM_053025.4(MYLK):c.2113C>T (p.Arg705Cys)

Gene: MYLK (myosin light chain kinase; minus strand). Cytogenetic location: 3q21.1.
Variant type: single nucleotide variant.
Coding change: c.2113C>T on transcript NM_053025.4 (MANE Select); coding-DNA position 2113, C replaced by T.
Protein change: p.Arg705Cys; replaces arginine 705 with cysteine.
Molecular consequence: missense variant.
Genome position (GRCh38, 1-based): chr3:123,708,725, G>A on the plus strand (C>T on the coding strand, the complement: MYLK is on the minus strand). VCF-style: chr3-123708725-G-A. GRCh37 (hg19) VCF-style: chr3-123427572-G-A.
Other names: c.1585C>T, p.Arg529Cys (NM_001321309.2); c.1906C>T, p.Arg636Cys (NM_053026.4, NM_053028.4); c.2113C>T, p.Arg705Cys (NM_053027.4); short protein forms R705C, R636C, R529C.
Identifiers: ClinVar variation 511460 (VCV000511460.18), dbSNP rs547322504, ClinGen allele CA068081.
Genomic context (GRCh38, chr3:123,708,725, plus strand): 5'-CCTTCCCACTCGCTCTGAGTGGGTCAGCCTCACCTTGTACCGTGAGCACGGCCTGGGTGC[G>A]GACCTCTCCAGCGCTGTTCCAGGCCTCGCAGGTGTACGTGCCCGTGTCCTCCGGGAACAC-3'
Protein context (NP_444253.3, residues 695-715): CEAWNSAGEV[Arg705Cys]TQAVLTVQEP